The following is an entry in ClinVar:

NM_015021.3(ZNF292):c.3224del (p.Pro1075fs)

Gene: ZNF292 (zinc finger protein 292; plus strand). Cytogenetic location: 6q14.3.
Variant type: Deletion.
Coding change: c.3224del on transcript NM_015021.3 (MANE Select); coding-DNA position 3224, one base deleted (C; older notation c.3224delC).
Protein change: p.Pro1075fs; shifts the reading frame from proline 1075.
Molecular consequence: frameshift variant.
Genome position (GRCh38, 1-based): chr6:87,256,853, C deleted; the last of 2 consecutive C bases (chr6:87,256,852-87,256,853); deleting either gives the same sequence. VCF-style (leftmost placement, unchanged base first): chr6-87256851-TC-T. GRCh37 (hg19) VCF-style: chr6-87966569-TC-T.
Other names: c.2804del, p.Pro935fs (NM_001351444.2); short protein forms P1075fs, P935fs.
Identifiers: ClinVar variation 4845523 (VCV004845523.1).

ClinVar aggregate classification (germline): Likely pathogenic (1 of 4 stars; one submission).

Conditions:
Intellectual developmental disorder, autosomal dominant 64. Also called: MENTAL RETARDATION, AUTOSOMAL DOMINANT 64. Identifiers: MedGen C5543067, MONDO:0030934, OMIM 619188.

Submission:

Greenwood Genetic Center Diagnostic Laboratories, Greenwood Genetic Center
Classification: Likely pathogenic for Intellectual developmental disorder, autosomal dominant 64. Last evaluated: 2025-10-07. Review status: criteria provided, single submitter. Criteria: ACMG Guidelines, 2015. Collection method: clinical testing. Allele origin: germline. Affected: yes.
Comment: PM2, PVS1